The following is an entry in ClinVar:

NM_000368.5(TSC1):c.555C>A (p.Tyr185Ter)

Gene: TSC1 (TSC complex subunit 1; minus strand). Cytogenetic location: 9q34.13.
Variant type: single nucleotide variant.
Coding change: c.555C>A on transcript NM_000368.5 (MANE Select); coding-DNA position 555, C replaced by A.
Protein change: p.Tyr185Ter; replaces tyrosine 185 with a stop codon.
Molecular consequence: nonsense.
Genome position (GRCh38, 1-based): chr9:132,921,927, G>T on the plus strand (C>A on the coding strand, the complement: TSC1 is on the minus strand). VCF-style: chr9-132921927-G-T. GRCh37 (hg19) VCF-style: chr9-135797314-G-T.
Other names: c.555C>A, p.Tyr185Ter (NM_001162426.2); c.402C>A, p.Tyr134Ter (NM_001162427.2); c.192C>A, p.Tyr64Ter (NM_001362177.2); short protein forms Y134*, Y185*, Y64*.
Identifiers: ClinVar variation 1163321 (VCV001163321.11), dbSNP rs118203398, ClinGen allele CA375372746.
Genomic context (GRCh38, chr9:132,921,927, plus strand): 5'-AGAACGCAAAAAGGAGACGAAGTTGCAAGGGTACATTCCATAAAGGCGATGAAAGAGTGC[G>T]TACACACTGGCATGGAGATGGACGAGATAGACTTCCGCCACGTGGCCTAGAAAAGGAACC-3'

ClinVar aggregate classification (germline): Pathogenic. Review status: criteria provided, multiple submitters, no conflicts (2 of 4 stars). 3 submissions from 3 submitters: Pathogenic (3). Last evaluated 2023-09-24.

Conditions:
Tuberous sclerosis 1 (TSC1). Identifiers: Orphanet 805, MedGen C1854465, MONDO:0008612, OMIM 191100.

Submissions (3):

Labcorp Genetics (formerly Invitae), Labcorp
Classification: Pathogenic for Tuberous sclerosis 1. Last evaluated: 2023-09-24. Review status: criteria provided, single submitter. Criteria: Invitae Variant Classification Sherloc (09022015). Collection method: clinical testing. Allele origin: germline.
Comment: This variant is not present in population databases (gnomAD no frequency). This sequence change creates a premature translational stop signal (p.Tyr185*) in the TSC1 gene. It is expected to result in an absent or disrupted protein product. Loss-of-function variants in TSC1 are known to be pathogenic (PMID: 10227394, 17304050). This variant has not been reported in the literature in individuals affected with TSC1-related conditions. For these reasons, this variant has been classified as Pathogenic. Algorithms developed to predict the effect of sequence changes on RNA splicing suggest that this variant may create or strengthen a splice site. ClinVar contains an entry for this variant (Variation ID: 1163321).

Myriad Genetics, Inc.
Classification: Pathogenic for Tuberous sclerosis 1. Last evaluated: 2023-05-10. Review status: criteria provided, single submitter. Criteria: Myriad Autosomal Dominant, Autosomal Recessive and X-Linked Classification Criteria (2023). Collection method: clinical testing. Allele origin: unknown.
Comment: This variant is considered pathogenic. This variant creates a termination codon and is predicted to result in premature protein truncation.

Mayo Clinic Laboratories, Mayo Clinic
Classification: Pathogenic. Last evaluated: 2019-12-26. Review status: criteria provided, single submitter. Criteria: ACMG Guidelines, 2015. Collection method: clinical testing. Allele origin: germline. Observed: 1 variant allele.
Comment: PVS1, PM2, PP4

Literature cited by the submitters: PubMed 10227394 (cited by Labcorp Genetics (formerly Invitae), Labcorp); PubMed 17304050 (cited by Labcorp Genetics (formerly Invitae), Labcorp); PubMed 29045506 (cited by Mayo Clinic Laboratories, Mayo Clinic).